The following is an entry in ClinVar:

ClinVar aggregate classification (germline): Likely benign. Review status: criteria provided, single submitter (1 of 4 stars). 2 submissions from 2 submitters: Likely benign (1). 1 of the submissions does not count toward it. Last evaluated 2026-01-05.

Conditions:
Craniolenticulosutural dysplasia (CLSD). Also called: BOYADJIEV-JABS SYNDROME. Identifiers: Orphanet 50814, MedGen C1843042, MONDO:0011911, OMIM 607812.
SEC23A-related disorder. Also called: SEC23A-related condition.

Allele frequency attached by ClinVar (database versions not stated): gnomAD 0.00001; TOPMed 0.00008; ExAC 0.00012; gnomAD exomes 0.00020.
gnomAD v4.1: 55 of 1,613,604 alleles (0.0034%); highest among the groups gnomAD compares: Admixed American, 0.092%; no homozygotes.

Submissions (2):

Labcorp Genetics (formerly Invitae), Labcorp
Classification: Likely benign for Craniolenticulosutural dysplasia. Last evaluated: 2026-01-05. Review status: criteria provided, single submitter. Criteria: Invitae Variant Classification Sherloc (09022015). Collection method: clinical testing. Allele origin: germline.

PreventionGenetics, part of Exact Sciences
Classification: Likely benign for SEC23A-related condition. Last evaluated: 2020-11-24. Review status: no assertion criteria provided. Collection method: clinical testing. Allele origin: germline. Not counted in ClinVar's aggregate classification.
Comment: This variant is classified as likely benign based on ACMG/AMP sequence variant interpretation guidelines (Richards et al. 2015 PMID: 25741868, with internal and published modifications).

NM_006364.4(SEC23A):c.2166C>T (p.Val722=)

Gene: SEC23A (SEC23 homolog A, COPII component; minus strand). Cytogenetic location: 14q21.1.
Variant type: single nucleotide variant.
Coding change: c.2166C>T on transcript NM_006364.4 (MANE Select); coding-DNA position 2166, C replaced by T.
Protein change: p.Val722=; no amino-acid change (valine 722 retained).
Molecular consequence: synonymous variant.
Genome position (GRCh38, 1-based): chr14:39,039,073, G>A on the plus strand (C>T on the coding strand, the complement: SEC23A is on the minus strand). VCF-style: chr14-39039073-G-A. GRCh37 (hg19) VCF-style: chr14-39508277-G-A.
Identifiers: ClinVar variation 715781 (VCV000715781.12), dbSNP rs750386277, ClinGen allele CA7161649.